The following is an entry in ClinVar:

ClinVar aggregate classification (germline): Benign. Review status: criteria provided, multiple submitters, no conflicts (2 of 4 stars). 5 submissions from 5 submitters: Benign (5). Last evaluated 2026-02-04.

Allele frequency attached by ClinVar (database versions not stated): gnomAD 0.25783 and 0.26514; gnomAD exomes 0.26684 and 0.24121; 1000 Genomes Project 30x 0.36368; ESP Exome Variant Server 0.24723; ExAC 0.26628; TOPMed 0.26850; 1000 Genomes Project 0.36681.
gnomAD v4.1: 393,384 of 1,612,132 alleles (24%); highest among the groups gnomAD compares: East Asian, 69%; 53,848 homozygotes.

Submissions (5):

Labcorp Genetics (formerly Invitae), Labcorp
Classification: Benign. Last evaluated: 2026-02-04. Review status: criteria provided, single submitter. Criteria: Invitae Variant Classification Sherloc (09022015). Collection method: clinical testing. Allele origin: germline.

Women's Health and Genetics/Laboratory Corporation of America, LabCorp
Classification: Benign. Last evaluated: 2026-01-21. Review status: criteria provided, single submitter. Criteria: LabCorp Variant Classification Summary - May 2015. Collection method: clinical testing. Allele origin: germline.

Unidad de Genómica Garrahan, Hospital de Pediatría Garrahan
Classification: Benign. Last evaluated: 2024-01-24. Review status: criteria provided, single submitter. Criteria: ACMG Guidelines, 2015. Collection method: clinical testing. Allele origin: germline. Affected: no. Observed: 43 variant alleles.
Comment: This variant is classified as Benign based on local population frequency. This variant was detected in 45% of patients studied by a panel of primary immunodeficiencies. Number of patients: 43. Only high quality variants are reported.

Mayo Clinic Laboratories, Mayo Clinic
Classification: Benign. Last evaluated: 2016-10-04. Review status: criteria provided, single submitter. Criteria: ACMG Guidelines, 2015. Collection method: clinical testing. Allele origin: germline. Observed: 69 variant alleles.

Breakthrough Genomics
Classification: Benign. Review status: criteria provided, single submitter. Criteria: ACMG Guidelines, 2015. Collection method: not provided. Allele origin: germline. Inheritance: Autosomal recessive inheritance. Affected: yes.

NM_003200.5(TCF3):c.500-8T>C

Gene: TCF3 (transcription factor 3; minus strand). Cytogenetic location: 19p13.3.
Variant type: single nucleotide variant.
Coding change: c.500-8T>C on transcript NM_003200.5 (MANE Select); 8 bases into the intron before coding-DNA position 500, T replaced by C.
Molecular consequence: intron variant.
Genome position (GRCh38, 1-based): chr19:1,624,008, A>G on the plus strand (T>C on the coding strand, the complement: TCF3 is on the minus strand). VCF-style: chr19-1624008-A-G. GRCh37 (hg19) VCF-style: chr19-1624007-A-G.
Other names: p.?; c.500-8T>C (NM_001351778.2, NM_001136139.4, NM_001351779.2).
Identifiers: ClinVar variation 1169441 (VCV001169441.14), dbSNP rs55677929, ClinGen allele CA9050349.
Genomic context (GRCh38, chr19:1,624,008, plus strand): 5'-CACCGAGGATGGAAGACCCGGCGGGACCTTCCGGACCTTCTTGGGCTGCGTGTCTGTTAG[A>G]AGCAAAAGGGGTGAGAACCGGCCACCGGCCATGAGAACAACCCCTGCCCTACACCCTGGA-3'